The following is an entry in ClinVar:

ClinVar aggregate classification (germline): Likely pathogenic (1 of 4 stars; one submission).

Conditions:
Achondrogenesis, type IA (ACG1A). Identifiers: Orphanet 932, Orphanet 93299, MedGen C0265273, MONDO:0008701, OMIM 200600.
Odontochondrodysplasia 1. Identifiers: Orphanet 166272, MedGen C5542277, MONDO:0100325, OMIM 184260.

Submission:

Juno Genomics, Hangzhou Juno Genomics, Inc
Classification: Likely pathogenic for Achondrogenesis, type IA; Odontochondrodysplasia 1. Review status: criteria provided, single submitter. Criteria: ACMG Guidelines, 2015. Collection method: clinical testing. Allele origin: germline.
Comment: Null variant in a gene where loss of function (LOF) is a known mechanism of disease.;Absent from controls (or at extremely low frequency if recessive) in Genome Aggregation Database.

NM_004239.4(TRIP11):c.283del (p.Ser95fs)

Gene: TRIP11 (thyroid hormone receptor interactor 11; minus strand). Cytogenetic location: 14q32.12.
Variant type: Deletion.
Coding change: c.283del on transcript NM_004239.4 (MANE Select); coding-DNA position 283, one base deleted (A; older notation c.283delA).
Protein change: p.Ser95fs; shifts the reading frame from serine 95.
Molecular consequence: frameshift variant.
Genome position (GRCh38, 1-based): chr14:92,025,339, T deleted on the plus strand (A on the coding strand, the reverse complement: TRIP11 is on the minus strand); the first of 2 consecutive T bases (chr14:92,025,339-92,025,340); deleting either gives the same sequence. VCF-style (leftmost placement, unchanged base first): chr14-92025338-CT-C. GRCh37 (hg19) VCF-style: chr14-92491682-CT-C.
Other names: c.280del, p.Ser94fs (NM_001321851.1); short protein forms S95fs, S94fs.
Identifiers: ClinVar variation 5005362 (VCV005005362.2).